The following is an entry in ClinVar:

ClinVar aggregate classification (germline): Pathogenic (1 of 4 stars; one submission).

gnomAD v4.1: 2 of 1,604,314 alleles (0.00012%); highest among the groups gnomAD compares: Non-Finnish European, 0.00017%; no homozygotes.

Submission:

Labcorp Genetics (formerly Invitae), Labcorp
Classification: Pathogenic. Last evaluated: 2023-05-23. Review status: criteria provided, single submitter. Criteria: Invitae Variant Classification Sherloc (09022015). Collection method: clinical testing. Allele origin: germline.
Comment: For these reasons, this variant has been classified as Pathogenic. Advanced modeling of protein sequence and biophysical properties (such as structural, functional, and spatial information, amino acid conservation, physicochemical variation, residue mobility, and thermodynamic stability) performed at Invitae indicates that this missense variant is expected to disrupt PDGFB protein function. This missense change has been observed in individual(s) with bilateral basal ganglia calcifications (Invitae). In at least one individual the variant was observed to be de novo. This variant is not present in population databases (gnomAD no frequency). This sequence change replaces arginine, which is basic and polar, with cysteine, which is neutral and slightly polar, at codon 129 of the PDGFB protein (p.Arg129Cys).

NM_002608.4(PDGFB):c.385C>T (p.Arg129Cys)

Gene: PDGFB (platelet derived growth factor subunit B; minus strand). Cytogenetic location: 22q13.1.
Variant type: single nucleotide variant.
Coding change: c.385C>T on transcript NM_002608.4 (MANE Select); coding-DNA position 385, C replaced by T.
Protein change: p.Arg129Cys; replaces arginine 129 with cysteine.
Molecular consequence: missense variant.
Genome position (GRCh38, 1-based): chr22:39,231,693, G>A on the plus strand (C>T on the coding strand, the complement: PDGFB is on the minus strand). VCF-style: chr22-39231693-G-A. GRCh37 (hg19) VCF-style: chr22-39627698-G-A.
Other names: c.340C>T, p.Arg114Cys (NM_033016.3); short protein forms R114C, R129C.
Identifiers: ClinVar variation 2874449 (VCV002874449.3), dbSNP rs2517761949, ClinGen allele CA411600665.